The following is an entry in ClinVar:

NM_006912.6(RIT1):c.117G>A (p.Met39Ile)

Gene: RIT1 (Ras like without CAAX 1; minus strand). Cytogenetic location: 1q22.
Variant type: single nucleotide variant.
Coding change: c.117G>A on transcript NM_006912.6 (MANE Select); coding-DNA position 117, G replaced by A.
Protein change: p.Met39Ile; replaces methionine 39 with isoleucine.
Molecular consequence: missense variant.
Genome position (GRCh38, 1-based): chr1:155,910,496, C>T on the plus strand (G>A on the coding strand, the complement: RIT1 is on the minus strand). VCF-style: chr1-155910496-C-T. GRCh37 (hg19) VCF-style: chr1-155880287-C-T.
Other names: c.9G>A, p.Met3Ile (NM_001256820.2); c.168G>A, p.Met56Ile (NM_001256821.2); short protein forms M39I, M3I, M56I.
Identifiers: ClinVar variation 3225951 (VCV003225951.1), dbSNP rs748634085, ClinGen allele CA1151882.
Genomic context (GRCh38, chr1:155,910,496, plus strand): 5'-ATGATCTGGCTTACCAATGGTGGGATCATGATCTTCTGGGAATCGGTGGCTGATGAACTG[C>T]ATGGTCATGGCTTCAAAAGAAGAAATAAAAGTCAAATCCTCACAAAGGTGACCCACAGAG-3'
Protein context (NP_008843.1, residues 29-49): AGGVGKSAMT[Met39Ile]QFISHRFPED

ClinVar aggregate classification (germline): Uncertain significance (1 of 4 stars; one submission).

Conditions:
Cardiovascular phenotype. Identifiers: MedGen CN230736.

Allele frequency attached by ClinVar (database versions not stated): gnomAD exomes below 0.00001; ExAC 0.00002.

Submission:

Ambry Genetics
Classification: Uncertain significance for Cardiovascular phenotype. Last evaluated: 2023-12-29. Review status: criteria provided, single submitter. Criteria: Ambry Variant Classification Scheme 2023. Collection method: clinical testing. Allele origin: germline.
Comment: The p.M39I variant (also known as c.117G>A), located in coding exon 2 of the RIT1 gene, results from a G to A substitution at nucleotide position 117. The methionine at codon 39 is replaced by isoleucine, an amino acid with highly similar properties. This amino acid position is conserved. In addition, the in silico prediction for this alteration is inconclusive. Since supporting evidence is limited at this time, the clinical significance of this alteration remains unclear.